The following is an entry in ClinVar:

ClinVar aggregate classification (germline): Uncertain significance (1 of 4 stars; one submission).

gnomAD v4.1: 3 of 1,206,871 alleles (0.00025%); highest among the groups gnomAD compares: Non-Finnish European, 0.00011%; no homozygotes.

Submission:

Labcorp Genetics (formerly Invitae), Labcorp
Classification: Uncertain significance. Last evaluated: 2024-08-13. Review status: criteria provided, single submitter. Criteria: Invitae Variant Classification Sherloc (09022015). Collection method: clinical testing. Allele origin: germline.
Comment: This sequence change replaces proline, which is neutral and non-polar, with leucine, which is neutral and non-polar, at codon 1088 of the AMER1 protein (p.Pro1088Leu). The frequency data for this variant in the population databases is considered unreliable, as metrics indicate poor data quality at this position in the gnomAD database. This variant has not been reported in the literature in individuals affected with AMER1-related conditions. An algorithm developed to predict the effect of missense changes on protein structure and function (PolyPhen-2) suggests that this variant is likely to be disruptive. In summary, the available evidence is currently insufficient to determine the role of this variant in disease. Therefore, it has been classified as a Variant of Uncertain Significance.

NM_152424.4(AMER1):c.3263C>T (p.Pro1088Leu)

Gene: AMER1 (APC membrane recruitment protein 1; minus strand). Cytogenetic location: Xq11.2.
Variant type: single nucleotide variant.
Coding change: c.3263C>T on transcript NM_152424.4 (MANE Select); coding-DNA position 3263, C replaced by T.
Protein change: p.Pro1088Leu; replaces proline 1088 with leucine.
Molecular consequence: missense variant.
Genome position (GRCh38, 1-based): chrX:64,190,024, G>A on the plus strand (C>T on the coding strand, the complement: AMER1 is on the minus strand). VCF-style: chrX-64190024-G-A. GRCh37 (hg19) VCF-style: chrX-63409904-G-A.
Other names: short protein forms P1088L.
Identifiers: ClinVar variation 3616938 (VCV003616938.2).
Genomic context (GRCh38, chrX:64,190,024, plus strand): 5'-TCAAGGCTGGAAGGCCCATAGTGAGTGGGCTGAGGCTGGGGGTGCTCAGGCCGGACCCTG[G>A]GCAGCTGAGGAATGCCATGGGTGATGCCCACAGGCTTGGCCTGTGGTAGAGGGCTGGGGC-3'
Protein context (NP_689637.3, residues 1078-1098): VGITHGIPQL[Pro1088Leu]RVRPEHPQPQ